The following is an entry in ClinVar:

ClinVar aggregate classification (germline): Likely pathogenic (1 of 4 stars; one submission).

Conditions:
Deficiency of UDPglucose-hexose-1-phosphate uridylyltransferase. Also called: GALACTOSE-1-PHOSPHATE URIDYLYLTRANSFERASE DEFICIENCY; Transferase Deficiency Galactosemia; GALACTOSEMIA I; GALT deficiency; Galactosemia, classic. Identifiers: Orphanet 352, Orphanet 79239, MedGen C0268151, MONDO:0009258, OMIM 230400.

Submission:

Myriad Genetics, Inc.
Classification: Likely pathogenic for Deficiency of UDPglucose-hexose-1-phosphate uridylyltransferase. Last evaluated: 2022-02-02. Review status: criteria provided, single submitter. Criteria: Myriad Women's Health Autosomal Recessive and X-Linked Classification Criteria (2021). Collection method: clinical testing. Allele origin: unknown.
Comment: NM_000155.3(GALT):c.680_681delTC(L227Qfs*10) is expected to be pathogenic in the context of galactosemia. This variant is predicted to lead to an abnormal or absent protein product due to the creation of a premature termination codon in GALT, a gene where loss-of-function variants are known to be pathogenic. Please note: this variant was assessed in the context of healthy population screening.

NM_000155.4(GALT):c.680_681del (p.Leu227fs)

Gene: GALT (galactose-1-phosphate uridylyltransferase; plus strand). Cytogenetic location: 9p13.3.
Variant type: Deletion.
Coding change: c.680_681del on transcript NM_000155.4 (MANE Select); coding-DNA positions 680 to 681, 2 bases deleted (TC; older notation c.680_681delTC).
Protein change: p.Leu227fs; shifts the reading frame from leucine 227.
Molecular consequence: frameshift variant.
Genome position (GRCh38, 1-based): chr9:34,648,449-34,648,450, TC deleted; deleting any 2 consecutive bases within chr9:34,648,448-34,648,450 gives the same sequence; the c. name uses the placement nearest the transcript's 3' end. VCF-style (leftmost placement, unchanged base first): chr9-34648447-ACT-A. GRCh37 (hg19) VCF-style: chr9-34648444-ACT-A.
Other names: c.353_354del, p.Leu118fs (NM_001258332.2); short protein forms L118fs, L227fs.
Identifiers: ClinVar variation 1726510 (VCV001726510.2), dbSNP rs2492870014, ClinGen allele CA2580080403.